The following is an entry in ClinVar:

NM_015335.5(MED13L):c.5606T>C (p.Val1869Ala)

Gene: MED13L (mediator complex subunit 13L; minus strand). Cytogenetic location: 12q24.21.
Variant type: single nucleotide variant.
Coding change: c.5606T>C on transcript NM_015335.5 (MANE Select); coding-DNA position 5606, T replaced by C.
Protein change: p.Val1869Ala; replaces valine 1869 with alanine.
Molecular consequence: missense variant.
Genome position (GRCh38, 1-based): chr12:115,975,296, A>G on the plus strand (T>C on the coding strand, the complement: MED13L is on the minus strand). VCF-style: chr12-115975296-A-G. GRCh37 (hg19) VCF-style: chr12-116413101-A-G.
Other names: short protein forms V1869A.
Identifiers: ClinVar variation 4731212 (VCV004731212.1).

ClinVar aggregate classification (germline): Uncertain significance (1 of 4 stars; one submission).

Conditions:
Dextro-looped transposition of the great arteries. Also called: Dextrotransposition of the great arteries. Identifiers: Orphanet 860, MedGen C3531771, MONDO:0019443, OMIM 608808, HP:0031348.

gnomAD v4.1: 1 of 1,614,126 alleles (0.000062%); highest among the groups gnomAD compares: Non-Finnish European, 0.000085%; no homozygotes.

Submission:

Labcorp Genetics (formerly Invitae), Labcorp
Classification: Uncertain significance for Dextro-looped transposition of the great arteries. Last evaluated: 2025-12-17. Review status: criteria provided, single submitter. Criteria: Invitae Variant Classification Sherloc (09022015). Collection method: clinical testing. Allele origin: germline.
Comment: This sequence change replaces valine, which is neutral and non-polar, with alanine, which is neutral and non-polar, at codon 1869 of the MED13L protein (p.Val1869Ala). This variant is not present in population databases (gnomAD no frequency). This variant has not been reported in the literature in individuals affected with MED13L-related conditions. Invitae Evidence Modeling of protein sequence and biophysical properties (such as structural, functional, and spatial information, amino acid conservation, physicochemical variation, residue mobility, and thermodynamic stability) indicates that this missense variant is not expected to disrupt MED13L protein function with a negative predictive value of 80%. In summary, the available evidence is currently insufficient to determine the role of this variant in disease. Therefore, it has been classified as a Variant of Uncertain Significance.